The following is an entry in ClinVar:

ClinVar aggregate classification (germline): Benign/Likely benign. Review status: criteria provided, multiple submitters, no conflicts (2 of 4 stars). 3 submissions from 3 submitters: Benign (1); Likely benign (2). Last evaluated 2025-12-15.

Conditions:
Pheochromocytoma/paraganglioma syndrome 5. Also called: Paragangliomas 5; SDHA-Related Hereditary Paraganglioma-Pheochromocytoma Syndrome. Identifiers: Orphanet 29072, MedGen C3279992, MONDO:0013602, OMIM 614165.
Mitochondrial complex II deficiency, nuclear type 1. Also called: SUCCINATE CoQ REDUCTASE DEFICIENCY. Identifiers: Orphanet 3208, MedGen C5700310, MONDO:0100294, OMIM 252011.
Hereditary cancer-predisposing syndrome. Also called: Tumor predisposition; Neoplastic Syndromes, Hereditary; Hereditary Cancer Syndrome; Hereditary neoplastic syndrome. Identifiers: Orphanet 140162, MedGen C0027672, MeSH D009386, MONDO:0015356.

Allele frequency attached by ClinVar (database versions not stated): TOPMed below 0.00001; gnomAD 0.00001.
gnomAD v4.1: 1 of 1,613,896 alleles (0.000062%); highest among the groups gnomAD compares: Non-Finnish European, 0.000085%; no homozygotes.

Submissions (3):

Labcorp Genetics (formerly Invitae), Labcorp
Classification: Likely benign for Pheochromocytoma/paraganglioma syndrome 5; Mitochondrial complex II deficiency, nuclear type 1. Last evaluated: 2025-12-15. Review status: criteria provided, single submitter. Criteria: Invitae Variant Classification Sherloc (09022015). Collection method: clinical testing. Allele origin: germline.

Myriad Genetics, Inc.
Classification: Benign for Pheochromocytoma/paraganglioma syndrome 5. Last evaluated: 2025-03-07. Review status: criteria provided, single submitter. Criteria: Myriad Autosomal Dominant, Autosomal Recessive and X-Linked Classification Criteria (2023). Collection method: clinical testing. Allele origin: unknown.
Comment: This variant is considered benign. This variant is a silent/synonymous amino acid change and it is not expected to impact splicing.

Ambry Genetics
Classification: Likely benign for Hereditary cancer-predisposing syndrome. Last evaluated: 2019-07-22. Review status: criteria provided, single submitter. Criteria: Ambry Variant Classification Scheme 2023. Collection method: clinical testing. Allele origin: germline.

NM_004168.4(SDHA):c.1110C>T (p.His370=)

Gene: SDHA (succinate dehydrogenase complex flavoprotein subunit A; plus strand). Cytogenetic location: 5p15.33.
Variant type: single nucleotide variant.
Coding change: c.1110C>T on transcript NM_004168.4 (MANE Select); coding-DNA position 1110, C replaced by T.
Protein change: p.His370=; no amino-acid change (histidine 370 retained).
Molecular consequence: synonymous variant.
Genome position (GRCh38, 1-based): chr5:235,189, C>T. VCF-style: chr5-235189-C-T. GRCh37 (hg19) VCF-style: chr5-235304-C-T.
Other names: c.966C>T, p.His322= (NM_001294332.2); c.1110C>T, p.His370= (NM_001330758.2).
Identifiers: ClinVar variation 700880 (VCV000700880.11), dbSNP rs1579406318, ClinGen allele CA442691945.